The following is an entry in ClinVar:

ClinVar aggregate classification (germline): Uncertain significance. Review status: criteria provided, multiple submitters, no conflicts (2 of 4 stars). 2 submissions from 2 submitters: Uncertain significance (2). Last evaluated 2022-08-31.

Conditions:
Glycogen storage disease type III (GSD3). Also called: FORBES DISEASE; Cori disease. Identifiers: Orphanet 366, MedGen C0017922, MONDO:0009291, OMIM 232400.

Allele frequency attached by ClinVar (database versions not stated): TOPMed below 0.00001.
gnomAD v4.1: 10 of 1,613,376 alleles (0.00062%); highest among the groups gnomAD compares: Non-Finnish European, 0.00085%; no homozygotes.

Submissions (2):

Labcorp Genetics (formerly Invitae), Labcorp
Classification: Uncertain significance for Glycogen storage disease type III. Last evaluated: 2022-08-31. Review status: criteria provided, single submitter. Criteria: Invitae Variant Classification Sherloc (09022015). Collection method: clinical testing. Allele origin: germline.
Comment: This sequence change replaces phenylalanine, which is neutral and non-polar, with leucine, which is neutral and non-polar, at codon 1029 of the AGL protein (p.Phe1029Leu). This variant is not present in population databases (gnomAD no frequency). This variant has not been reported in the literature in individuals affected with AGL-related conditions. Algorithms developed to predict the effect of missense changes on protein structure and function (SIFT, PolyPhen-2, Align-GVGD) all suggest that this variant is likely to be tolerated. In summary, the available evidence is currently insufficient to determine the role of this variant in disease. Therefore, it has been classified as a Variant of Uncertain Significance.

Blueprint Genetics
Classification: Uncertain significance. Last evaluated: 2021-01-21. Review status: criteria provided, single submitter. Criteria: ACMG Guidelines, 2015. Collection method: clinical testing. Allele origin: germline.

NM_000642.3(AGL):c.3085T>C (p.Phe1029Leu)

Gene: AGL (amylo-alpha-1,6-glucosidase and 4-alpha-glucanotransferase; plus strand). Cytogenetic location: 1p21.2.
Variant type: single nucleotide variant.
Coding change: c.3085T>C on transcript NM_000642.3 (MANE Select); coding-DNA position 3085, T replaced by C.
Protein change: p.Phe1029Leu; replaces phenylalanine 1029 with leucine.
Molecular consequence: missense variant.
Genome position (GRCh38, 1-based): chr1:99,892,433, T>C. VCF-style: chr1-99892433-T-C. GRCh37 (hg19) VCF-style: chr1-100357989-T-C.
Other names: c.3085T>C, p.Phe1029Leu (NM_000028.3, NM_000643.3, NM_000644.3 and 1 more transcripts); c.3037T>C, p.Phe1013Leu (NM_000646.3); c.3064T>C, p.Phe1022Leu (NM_001425326.1); c.2884T>C, p.Phe962Leu (NM_001425327.1); c.2881T>C, p.Phe961Leu (NM_001425328.1); c.2746T>C, p.Phe916Leu (NM_001425329.1); c.2707T>C, p.Phe903Leu (NM_001425332.1); short protein forms F1013L, F1029L, F1022L, F903L, F916L, F961L, F962L.
Identifiers: ClinVar variation 1984516 (VCV001984516.2), dbSNP rs1018565681, ClinGen allele CA27527689.